The following is an entry in ClinVar:

ClinVar aggregate classification (germline): Likely pathogenic (1 of 4 stars; one submission).

Conditions:
Mucopolysaccharidosis, MPS-IV-A (MPS4A). Also called: Mucopolysaccharidosis type IV A; Mucopolysaccharidosis Type IVA; Morquio syndrome A, mild; MORQUIO SYNDROME A; MPS IVA; mucopolysaccharidosis type 4A. Identifiers: Orphanet 309297, Orphanet 582, MedGen C0086651, MONDO:0009659, OMIM 253000.

Submission:

Laboratory of Diagnosis and Therapy of Lysosomal Disorders, University of Padova
Classification: Likely pathogenic for Mucopolysaccharidosis, MPS-IV-A. Last evaluated: 2021-02-01. Review status: criteria provided, single submitter. Criteria: ACMG Guidelines, 2015. Collection method: curation. Allele origin: germline. Affected: yes.
Comment: Nonsense variant (PVS1_very strong); absent from gnomAD v2.1.1 (PM2_moderate)

Literature cited by the submitters: PubMed 18710657; PubMed 34387910.

NM_000512.5(GALNS):c.385A>T (p.Lys129Ter)

Gene: GALNS (galactosamine (N-acetyl)-6-sulfatase; minus strand). Cytogenetic location: 16q24.3.
Variant type: single nucleotide variant.
Coding change: c.385A>T on transcript NM_000512.5 (MANE Select); coding-DNA position 385, A replaced by T.
Protein change: p.Lys129Ter; replaces lysine 129 with a stop codon.
Molecular consequence: nonsense. On other transcripts: 5 prime UTR variant (1).
Genome position (GRCh38, 1-based): chr16:88,841,029, T>A on the plus strand (A>T on the coding strand, the complement: GALNS is on the minus strand). VCF-style: chr16-88841029-T-A. GRCh37 (hg19) VCF-style: chr16-88907437-T-A.
Other names: c.-171A>T (NM_001323543.2); c.403A>T, p.Lys135Ter (NM_001323544.2); short protein forms K129*, K135*.
Identifiers: ClinVar variation 1048276 (VCV001048276.3), dbSNP rs2143004624, ClinGen allele CA397087884.